The following is an entry in ClinVar:

ClinVar aggregate classification (germline): Uncertain significance (1 of 4 stars; one submission).

gnomAD v4.1: 30 of 1,497,820 alleles (0.002%); highest among the groups gnomAD compares: East Asian, 0.026%; no homozygotes.

Submission:

Ambry Genetics
Classification: Uncertain significance. Last evaluated: 2026-02-16. Review status: criteria provided, single submitter. Criteria: Ambry Variant Classification Scheme 2023. Collection method: clinical testing. Allele origin: germline.
Comment: The c.11A>G (p.Q4R) alteration is located in exon 1 (coding exon 1) of the LRRC34 gene. This alteration results from a A to G substitution at nucleotide position 11, causing the glutamine (Q) at amino acid position 4 to be replaced by an arginine (R). Based on data from gnomAD, the G allele has an overall frequency of 0.002% (2/121034) total alleles studied. The highest observed frequency was 0.013% (1/7950) of East Asian alleles. Based on insufficient or conflicting evidence, the clinical significance of this alteration remains unclear.

NM_001172779.2(LRRC34):c.11A>G (p.Gln4Arg)

Genes: LRRC34 (leucine rich repeat containing 34; minus strand), LOC129937874 (ATAC-STARR-seq lymphoblastoid silent region 14876; plus strand). Cytogenetic location: 3q26.2.
Variant type: single nucleotide variant.
Coding change: c.11A>G on transcript NM_001172779.2 (MANE Select); coding-DNA position 11, A replaced by G.
Protein change: p.Gln4Arg; replaces glutamine 4 with arginine.
Molecular consequence: missense variant. On other transcripts: intron variant (3).
Genome position (GRCh38, 1-based): chr3:169,812,538, T>C on the plus strand (A>G on the coding strand, the complement: LRRC34 is on the minus strand). VCF-style: chr3-169812538-T-C. GRCh37 (hg19) VCF-style: chr3-169530326-T-C.
Other names: c.11A>G, p.Gln4Arg (NM_001172780.2, NM_153353.5); c.-45+32A>G (NM_001370608.1, NM_001363888.2, NM_001370609.1); short protein forms Q4R.
Identifiers: ClinVar variation 4829333 (VCV004829333.1).
Genomic context (GRCh38, chr3:169,812,538, plus strand): 5'-GGCGCACGGGCGGCCTCCCGGGAGCTCCCCATGCTCCTCTCACCCACTGGCCGCGGCGGC[T>C]GCGCTGCCATGGCGACCGCGCGCGCACTTACAGTCCGCCTGCAGCTGTGAGGCGGCTACA-3'
Protein context (NP_001166250.1, residues 1-14): MAA[Gln4Arg]PPRPVGERSM